The following is an entry in ClinVar:

NM_001079668.3(NKX2-1):c.250C>T (p.Gln84Ter)

Genes: NKX2-1 (NK2 homeobox 1; minus strand), SFTA3 (surfactant associated 3; minus strand). Cytogenetic location: 14q13.3.
Variant type: single nucleotide variant.
Coding change: c.250C>T on transcript NM_001079668.3 (MANE Select); coding-DNA position 250, C replaced by T.
Protein change: p.Gln84Ter; replaces glutamine 84 with a stop codon.
Molecular consequence: nonsense.
Genome position (GRCh38, 1-based): chr14:36,519,198, G>A on the plus strand (C>T on the coding strand, the complement: NKX2-1 is on the minus strand). VCF-style: chr14-36519198-G-A. GRCh37 (hg19) VCF-style: chr14-36988403-G-A.
Other names: c.160C>T, p.Gln54Ter (NM_003317.4); short protein forms Q54*, Q84*.
Identifiers: ClinVar variation 1879276 (VCV001879276.30), dbSNP rs2139412296, ClinGen allele CA389461099.

ClinVar aggregate classification (germline): Pathogenic. Review status: criteria provided, multiple submitters, no conflicts (2 of 4 stars). 2 submissions from 2 submitters: Pathogenic (2). Last evaluated 2023-07-17.

Conditions:
Brain-lung-thyroid syndrome. Also called: Choreoathetosis, Congenital Hypothyroidism, and Neonatal Respiratory Distress Syndrome (Brain-Lung-Thyroid Syndrome); Choreoathetosis, congenital hypothyroidism, and neonatal respiratory distress; CHOREOATHETOSIS AND CONGENITAL HYPOTHYROIDISM WITH PULMONARY DYSFUNCTION. Identifiers: Orphanet 209905, MedGen C1970269, MONDO:0012593, OMIM 610978.

Submissions (2):

Institute of Human Genetics Munich, TUM University Hospital
Classification: Pathogenic for Brain-lung-thyroid syndrome. Last evaluated: 2023-07-17. Review status: criteria provided, single submitter. Criteria: Classification criteria August 2017. Collection method: clinical testing. Allele origin: de novo. Inheritance: Autosomal dominant inheritance. Affected: yes. Observed: 1 variant allele.

CeGaT Center for Human Genetics Tuebingen
Classification: Pathogenic. Last evaluated: 2022-11-01. Review status: criteria provided, single submitter. Criteria: CeGaT Center For Human Genetics Tuebingen Variant Classification Criteria Version 2. Collection method: clinical testing. Allele origin: germline. Affected: yes. Observed: 1 variant allele.
Comment: NKX2-1: PVS1, PM2